The following is an entry in ClinVar:

NM_144687.4(NLRP12):c.830C>T (p.Ala277Val)

Gene: NLRP12 (NLR family pyrin domain containing 12; minus strand). Cytogenetic location: 19q13.42.
Variant type: single nucleotide variant.
Coding change: c.830C>T on transcript NM_144687.4 (MANE Select); coding-DNA position 830, C replaced by T.
Protein change: p.Ala277Val; replaces alanine 277 with valine.
Molecular consequence: missense variant.
Genome position (GRCh38, 1-based): chr19:53,810,829, G>A on the plus strand (C>T on the coding strand, the complement: NLRP12 is on the minus strand). VCF-style: chr19-53810829-G-A. GRCh37 (hg19) VCF-style: chr19-54314083-G-A.
Other names: c.830C>T, p.Ala277Val (NM_001277126.2, NM_001277129.1); short protein forms A277V.
Identifiers: ClinVar variation 970019 (VCV000970019.11), dbSNP rs1170408810, ClinGen allele CA407415698.

ClinVar aggregate classification (germline): Uncertain significance. Review status: criteria provided, multiple submitters, no conflicts (2 of 4 stars). 2 submissions from 2 submitters: Uncertain significance (2). Last evaluated 2022-05-26.

Conditions:
Familial cold autoinflammatory syndrome 2 (FCAS2). Identifiers: Orphanet 247868, MedGen C2673198, MONDO:0012724, OMIM 611762.

Allele frequency attached by ClinVar (database versions not stated): gnomAD exomes 0.00001; TOPMed 0.00001; gnomAD 0.00002.
gnomAD v4.1: 17 of 1,613,982 alleles (0.0011%); highest among the groups gnomAD compares: Middle Eastern, 0.033%; no homozygotes.

Submissions (2):

Revvity Omics, Revvity
Classification: Uncertain significance for Familial cold autoinflammatory syndrome 2. Last evaluated: 2022-05-26. Review status: criteria provided, single submitter. Criteria: ACMG Guidelines, 2015. Collection method: clinical testing. Allele origin: germline.

Labcorp Genetics (formerly Invitae), Labcorp
Classification: Uncertain significance for Familial cold autoinflammatory syndrome 2. Last evaluated: 2021-03-27. Review status: criteria provided, single submitter. Criteria: Invitae Variant Classification Sherloc (09022015). Collection method: clinical testing. Allele origin: germline.
Comment: In summary, the available evidence is currently insufficient to determine the role of this variant in disease. Therefore, it has been classified as a Variant of Uncertain Significance. Algorithms developed to predict the effect of missense changes on protein structure and function output the following: SIFT: "Tolerated"; PolyPhen-2: "Benign"; Align-GVGD: "Class C0". The valine amino acid residue is found in multiple mammalian species, suggesting that this missense change does not adversely affect protein function. These predictions have not been confirmed by published functional studies and their clinical significance is uncertain. This variant has not been reported in the literature in individuals with NLRP12-related conditions. This variant is not present in population databases (ExAC no frequency). This sequence change replaces alanine with valine at codon 277 of the NLRP12 protein (p.Ala277Val). The alanine residue is moderately conserved and there is a small physicochemical difference between alanine and valine.